The following is an entry in ClinVar:

NM_000540.3(RYR1):c.7772G>C (p.Arg2591Pro)

Gene: RYR1 (ryanodine receptor 1; plus strand). Cytogenetic location: 19q13.2.
Variant type: single nucleotide variant.
Coding change: c.7772G>C on transcript NM_000540.3 (MANE Select); coding-DNA position 7772, G replaced by C.
Protein change: p.Arg2591Pro; replaces arginine 2591 with proline.
Molecular consequence: missense variant.
Genome position (GRCh38, 1-based): chr19:38,502,664, G>C. VCF-style: chr19-38502664-G-C. GRCh37 (hg19) VCF-style: chr19-38993304-G-C.
Other names: c.7772G>C, p.Arg2591Pro (NM_001042723.2); short protein forms R2591P.
Identifiers: ClinVar variation 4687270 (VCV004687270.2).

ClinVar aggregate classification (germline): Uncertain significance. Review status: criteria provided, multiple submitters, no conflicts (2 of 4 stars). 2 submissions from 2 submitters: Uncertain significance (2). Last evaluated 2025-10-15.

gnomAD v4.1: 4 of 1,611,332 alleles (0.00025%); highest among the groups gnomAD compares: Non-Finnish European, 0.00034%; no homozygotes.

Submissions (2):

Women's Health and Genetics/Laboratory Corporation of America, LabCorp
Classification: Uncertain significance. Last evaluated: 2025-10-15. Review status: criteria provided, single submitter. Criteria: LabCorp Variant Classification Summary - May 2015. Collection method: clinical testing. Allele origin: germline.
Comment: Variant summary: RYR1 c.7772G>C (p.Arg2591Pro) results in a non-conservative amino acid change in the encoded protein sequence. Algorithms developed to predict the effect of missense changes on protein structure and function all suggest that this variant is likely to be disruptive. The variant allele was found at a frequency of 4e-06 in 249794 control chromosomes. The available data on variant occurrences in the general population are insufficient to allow any conclusion about variant significance. To our knowledge, no occurrence of c.7772G>C in individuals affected with RYR1-related conditions and no experimental evidence demonstrating its impact on protein function have been reported. No submitters have cited clinical-significance assessments for this variant to ClinVar. Based on the evidence outlined above, the variant was classified as uncertain significance.

Blueprint Genetics
Classification: Uncertain significance. Last evaluated: 2024-08-27. Review status: criteria provided, single submitter. Criteria: ACMG Guidelines, 2015. Collection method: clinical testing. Allele origin: germline.